The following is an entry in ClinVar:

NM_001042492.3(NF1):c.2729G>T (p.Gly910Val)

Gene: NF1 (neurofibromin 1; plus strand). Cytogenetic location: 17q11.2.
Variant type: single nucleotide variant.
Coding change: c.2729G>T on transcript NM_001042492.3 (MANE Select); coding-DNA position 2729, G replaced by T.
Protein change: p.Gly910Val; replaces glycine 910 with valine.
Molecular consequence: missense variant.
Genome position (GRCh38, 1-based): chr17:31,229,344, G>T. VCF-style: chr17-31229344-G-T. GRCh37 (hg19) VCF-style: chr17-29556362-G-T.
Other names: c.2729G>T, p.Gly910Val (NM_000267.4); short protein forms G910V.
Identifiers: ClinVar variation 3634515 (VCV003634515.2).

ClinVar aggregate classification (germline): Uncertain significance (1 of 4 stars; one submission).

Conditions:
Neurofibromatosis, type 1 (NF1). Also called: VON RECKLINGHAUSEN DISEASE; Peripheral type neurofibromatosis; NEUROFIBROMATOSIS, TYPE I, SOMATIC; Neurofibromatosis, type I. Identifiers: Orphanet 636, MedGen C0027831, MONDO:0018975, OMIM 162200. Disease mechanism: loss of function.

Submission:

Labcorp Genetics (formerly Invitae), Labcorp
Classification: Uncertain significance for Neurofibromatosis, type 1. Last evaluated: 2024-07-16. Review status: criteria provided, single submitter. Criteria: Invitae Variant Classification Sherloc (09022015). Collection method: clinical testing. Allele origin: germline.
Comment: This sequence change replaces glycine, which is neutral and non-polar, with valine, which is neutral and non-polar, at codon 910 of the NF1 protein (p.Gly910Val). This variant is not present in population databases (gnomAD no frequency). This variant has not been reported in the literature in individuals affected with NF1-related conditions. Advanced modeling of protein sequence and biophysical properties (such as structural, functional, and spatial information, amino acid conservation, physicochemical variation, residue mobility, and thermodynamic stability) performed at Invitae indicates that this missense variant is expected to disrupt NF1 protein function with a positive predictive value of 95%. In summary, the available evidence is currently insufficient to determine the role of this variant in disease. Therefore, it has been classified as a Variant of Uncertain Significance.